The following is an entry in ClinVar:

NM_004369.4(COL6A3):c.7007C>A (p.Pro2336His)

Gene: COL6A3 (collagen type VI alpha 3 chain; minus strand). Cytogenetic location: 2q37.3.
Variant type: single nucleotide variant.
Coding change: c.7007C>A on transcript NM_004369.4 (MANE Select); coding-DNA position 7007, C replaced by A.
Protein change: p.Pro2336His; replaces proline 2336 with histidine.
Molecular consequence: missense variant.
Genome position (GRCh38, 1-based): chr2:237,347,829, G>T on the plus strand (C>A on the coding strand, the complement: COL6A3 is on the minus strand). VCF-style: chr2-237347829-G-T. GRCh37 (hg19) VCF-style: chr2-238256472-G-T.
Other names: c.5186C>A, p.Pro1729His (NM_057166.5); c.6389C>A, p.Pro2130His (NM_057167.4); short protein forms P2336H, P1729H, P2130H.
Identifiers: ClinVar variation 2913577 (VCV002913577.4), dbSNP rs202092407, ClinGen allele CA2187974.

ClinVar aggregate classification (germline): Uncertain significance. Review status: criteria provided, multiple submitters, no conflicts (2 of 4 stars). 2 submissions from 2 submitters: Uncertain significance (2). Last evaluated 2025-06-09.

Conditions:
Bethlem myopathy 1A. Also called: Bethlem Muscular Dystrophy; Bethlem myopathy 1; MYOPATHY, BENIGN CONGENITAL, WITH CONTRACTURES. Identifiers: Orphanet 610, MedGen CN029274, MONDO:0024530, OMIM 158810.

Allele frequency attached by ClinVar (database versions not stated): 1000 Genomes Project 30x 0.00016.
gnomAD v4.1: 9 of 1,611,404 alleles (0.00056%); highest among the groups gnomAD compares: Middle Eastern, 0.017%; no homozygotes.

Submissions (2):

Labcorp Genetics (formerly Invitae), Labcorp
Classification: Uncertain significance for Bethlem myopathy 1A. Last evaluated: 2025-06-09. Review status: criteria provided, single submitter. Criteria: Invitae Variant Classification Sherloc (09022015). Collection method: clinical testing. Allele origin: germline.
Comment: This sequence change replaces proline, which is neutral and non-polar, with histidine, which is basic and polar, at codon 2336 of the COL6A3 protein (p.Pro2336His). The frequency data for this variant in the population databases is considered unreliable, as metrics indicate poor data quality at this position in the gnomAD database. This variant has not been reported in the literature in individuals affected with COL6A3-related conditions. ClinVar contains an entry for this variant (Variation ID: 2913577). Invitae Evidence Modeling of protein sequence and biophysical properties (such as structural, functional, and spatial information, amino acid conservation, physicochemical variation, residue mobility, and thermodynamic stability) has been performed for this missense variant. However, the output from this modeling did not meet the statistical confidence thresholds required to predict the impact of this variant on COL6A3 protein function. In summary, the available evidence is currently insufficient to determine the role of this variant in disease. Therefore, it has been classified as a Variant of Uncertain Significance.

Blueprint Genetics
Classification: Uncertain significance. Last evaluated: 2021-08-20. Review status: criteria provided, single submitter. Criteria: ACMG Guidelines, 2015. Collection method: clinical testing. Allele origin: germline.